The following is an entry in ClinVar:

NM_207391.3(RGS9BP):c.100C>T (p.Gln34Ter)

Gene: RGS9BP (regulator of G protein signaling 9 binding protein; plus strand). Cytogenetic location: 19q13.11.
Variant type: single nucleotide variant.
Coding change: c.100C>T on transcript NM_207391.3 (MANE Select); coding-DNA position 100, C replaced by T.
Protein change: p.Gln34Ter; replaces glutamine 34 with a stop codon.
Molecular consequence: nonsense.
Genome position (GRCh38, 1-based): chr19:32,676,363, C>T. VCF-style: chr19-32676363-C-T. GRCh37 (hg19) VCF-style: chr19-33167269-C-T.
Other names: short protein forms Q34*.
Identifiers: ClinVar variation 2093606 (VCV002093606.3), dbSNP rs200452016, ClinGen allele CA9357497.

ClinVar aggregate classification (germline): Uncertain significance (1 of 4 stars; one submission).

Allele frequency attached by ClinVar (database versions not stated): gnomAD exomes below 0.00001; ExAC 0.00001; TOPMed 0.00002; gnomAD 0.00004; 1000 Genomes Project 0.00040; 1000 Genomes Project 30x 0.00047.

Submission:

Labcorp Genetics (formerly Invitae), Labcorp
Classification: Uncertain significance. Last evaluated: 2025-01-06. Review status: criteria provided, single submitter. Criteria: Invitae Variant Classification Sherloc (09022015). Collection method: clinical testing. Allele origin: germline.
Comment: This sequence change creates a premature translational stop signal (p.Gln34*) in the RGS9BP gene. While this is not anticipated to result in nonsense mediated decay, it is expected to disrupt the last 202 amino acid(s) of the RGS9BP protein. The frequency data for this variant in the population databases is considered unreliable, as metrics indicate poor data quality at this position in the gnomAD database. This variant has not been reported in the literature in individuals affected with RGS9BP-related conditions. ClinVar contains an entry for this variant (Variation ID: 2093606). Experimental studies and prediction algorithms are not available or were not evaluated, and the functional significance of this variant is currently unknown. In summary, the available evidence is currently insufficient to determine the role of this variant in disease. Therefore, it has been classified as a Variant of Uncertain Significance.